The following is an entry in ClinVar:

NM_014946.4(SPAST):c.1776A>G (p.Ile592Met)

Gene: SPAST (spastin; plus strand). Cytogenetic location: 2p22.3.
Variant type: single nucleotide variant.
Coding change: c.1776A>G on transcript NM_014946.4 (MANE Select); coding-DNA position 1776, A replaced by G.
Protein change: p.Ile592Met; replaces isoleucine 592 with methionine.
Molecular consequence: missense variant. On other transcripts: 3 prime UTR variant (1).
Genome position (GRCh38, 1-based): chr2:32,154,421, A>G. VCF-style: chr2-32154421-A-G. GRCh37 (hg19) VCF-style: chr2-32379490-A-G.
Other names: c.1773A>G, p.Ile591Met (NM_001363823.2); c.1677A>G, p.Ile559Met (NM_001363875.2); c.*49A>G (NM_001377959.1); c.1680A>G, p.Ile560Met (NM_199436.2); short protein forms I559M, I591M, I560M, I592M.
Identifiers: ClinVar variation 2703594 (VCV002703594.3), dbSNP rs2465946416, ClinGen allele CA346505620.

ClinVar aggregate classification (germline): Uncertain significance (1 of 4 stars; one submission).

Conditions:
Hereditary spastic paraplegia 4. Also called: Spastic paraplegia 4, autosomal dominant; Familial spastic paraplegia autosomal dominant 2; Spastic Paraplegia 4. Identifiers: Orphanet 100985, MedGen C1866855, MONDO:0008438, OMIM 182601.

Submission:

Labcorp Genetics (formerly Invitae), Labcorp
Classification: Uncertain significance for Hereditary spastic paraplegia 4. Last evaluated: 2023-12-16. Review status: criteria provided, single submitter. Criteria: Invitae Variant Classification Sherloc (09022015). Collection method: clinical testing. Allele origin: germline.
Comment: This sequence change replaces isoleucine, which is neutral and non-polar, with methionine, which is neutral and non-polar, at codon 592 of the SPAST protein (p.Ile592Met). This variant is not present in population databases (gnomAD no frequency). This variant has not been reported in the literature in individuals affected with SPAST-related conditions. Advanced modeling of protein sequence and biophysical properties (such as structural, functional, and spatial information, amino acid conservation, physicochemical variation, residue mobility, and thermodynamic stability) performed at Invitae indicates that this missense variant is not expected to disrupt SPAST protein function with a negative predictive value of 80%. This variant disrupts the p.Ile592 amino acid residue in SPAST. Other variant(s) that disrupt this residue have been determined to be pathogenic (PMID: 31157359; Invitae). This suggests that this residue is clinically significant, and that variants that disrupt this residue are likely to be disease-causing. In summary, the available evidence is currently insufficient to determine the role of this variant in disease. Therefore, it has been classified as a Variant of Uncertain Significance.

Literature cited by the submitters: PubMed 31157359.